The following is an entry in ClinVar:

NM_004565.3(PEX14):c.519C>G (p.Val173=)

Genes: PEX14 (peroxisomal biogenesis factor 14; plus strand), LOC126805616 (CDK7 strongly-dependent group 2 enhancer GRCh37_chr1:10683990-10685189; plus strand). Cytogenetic location: 1p36.22.
Variant type: single nucleotide variant.
Coding change: c.519C>G on transcript NM_004565.3 (MANE Select); coding-DNA position 519, C replaced by G.
Protein change: p.Val173=; no amino-acid change (valine 173 retained).
Molecular consequence: synonymous variant.
Genome position (GRCh38, 1-based): chr1:10,624,371, C>G. VCF-style: chr1-10624371-C-G. GRCh37 (hg19) VCF-style: chr1-10684428-C-G.
Identifiers: ClinVar variation 2001452 (VCV002001452.1), dbSNP rs2521880707, ClinGen allele CA415885981.
Genomic context (GRCh38, chr1:10,624,371, plus strand): 5'-CCAGCGCCGTGACTGCTTTCTCCTCGCAGTGACTCAGTTACAGACGACCCTCGCCTCCGT[C>G]CAGGAGCTGCTGATTCAGCAGCAGCAGAAGATCCAGGAGCTTGCCCACGAGCTGGCCGCT-3'
Protein context (NP_004556.1, residues 163-183): VTQLQTTLAS[Val173=]QELLIQQQQK

ClinVar aggregate classification (germline): Uncertain significance (1 of 4 stars; one submission).

Conditions:
Peroxisome biogenesis disorder, complementation group K (CGK). Identifiers: MedGen C1866257, MONDO:0800365.

Allele frequency attached by ClinVar (database versions not stated): gnomAD exomes below 0.00001.
gnomAD v4.1: 5 of 1,613,482 alleles (0.00031%); highest among the groups gnomAD compares: Non-Finnish European, 0.00034%; no homozygotes.

Submission:

Labcorp Genetics (formerly Invitae), Labcorp
Classification: Uncertain significance for Peroxisome biogenesis disorder, complementation group K. Last evaluated: 2022-10-17. Review status: criteria provided, single submitter. Criteria: Invitae Variant Classification Sherloc (09022015). Collection method: clinical testing. Allele origin: germline.
Comment: This sequence change affects codon 173 of the PEX14 mRNA. It is a 'silent' change, meaning that it does not change the encoded amino acid sequence of the PEX14 protein. This variant is not present in population databases (gnomAD no frequency). This variant has not been reported in the literature in individuals affected with PEX14-related conditions. Algorithms developed to predict the effect of sequence changes on RNA splicing suggest that this variant may create or strengthen a splice site. In summary, the available evidence is currently insufficient to determine the role of this variant in disease. Therefore, it has been classified as a Variant of Uncertain Significance.